The following is an entry in ClinVar:

ClinVar aggregate classification (germline): Uncertain significance. Review status: criteria provided, multiple submitters, no conflicts (2 of 4 stars). 2 submissions from 2 submitters: Uncertain significance (2). Last evaluated 2025-05-13.

Conditions:
Inborn genetic diseases. Identifiers: MedGen C0950123, MeSH D030342.

Allele frequency attached by ClinVar (database versions not stated): TOPMed 0.00004; ESP Exome Variant Server 0.00015; ExAC 0.00005; gnomAD 0.00001.
gnomAD v4.1: 195 of 1,609,628 alleles (0.012%); highest among the groups gnomAD compares: Non-Finnish European, 0.015%; no homozygotes.

Submissions (2):

Ambry Genetics
Classification: Uncertain significance for Inborn genetic diseases. Last evaluated: 2025-05-13. Review status: criteria provided, single submitter. Criteria: Ambry Variant Classification Scheme 2023. Collection method: clinical testing. Allele origin: germline.

Laboratory for Molecular Medicine, Mass General Brigham Personalized Medicine
Classification: Uncertain significance. Last evaluated: 2020-02-11. Review status: criteria provided, single submitter. Criteria: LMM Criteria. Collection method: clinical testing. Allele origin: germline. Observed: 1 variant allele.
Comment: Variant classified as Uncertain Significance - Favor Benign. The p.Arg463His variant in ILDR1 has not been previously reported in individuals with autosomal recessive hearing loss but has been identified in 0.01% (2/21024) of Finnish chromosomes by gnomAD. Computational prediction tools and conservation analysis suggest that this variant may not impact the protein, though this information is not predictive enough to rule out pathogenicity. In summary, while the clinical significance of this variant is uncertain, these data suggest that it is more likely to be benign. ACMG/AMP Criteria applied: PM2_Supporting, BP4.

Literature cited by the submitters: PubMed 21255762 (cited by Laboratory for Molecular Medicine, Mass General Brigham Personalized Medicine).

NM_001199799.2(ILDR1):c.1388G>A (p.Arg463His)

Gene: ILDR1 (immunoglobulin like domain containing receptor 1; minus strand). Cytogenetic location: 3q13.33.
Variant type: single nucleotide variant.
Coding change: c.1388G>A on transcript NM_001199799.2 (MANE Select); coding-DNA position 1388, G replaced by A.
Protein change: p.Arg463His; replaces arginine 463 with histidine.
Molecular consequence: missense variant.
Genome position (GRCh38, 1-based): chr3:121,993,361, C>T on the plus strand (G>A on the coding strand, the complement: ILDR1 is on the minus strand). VCF-style: chr3-121993361-C-T. GRCh37 (hg19) VCF-style: chr3-121712208-C-T.
Other names: c.1121G>A, p.Arg374His (NM_001199800.2); c.1256G>A, p.Arg419His (NM_175924.4); c.1388G>A (NM_001199799.1); short protein forms R374H, R463H, R419H.
Identifiers: ClinVar variation 930072 (VCV000930072.5), dbSNP rs199571441, ClinGen allele CA2568686.